The following is an entry in ClinVar:

ClinVar aggregate classification (germline): Benign/Likely benign. Review status: criteria provided, multiple submitters, no conflicts (2 of 4 stars). 3 submissions from 3 submitters: Benign (2); Likely benign (1). Last evaluated 2026-05-11.

Allele frequency attached by ClinVar (database versions not stated): gnomAD exomes 0.00010 and 0.00025; ExAC 0.00030; gnomAD 0.00097 and 0.00105; TOPMed 0.00119; ESP Exome Variant Server 0.00131; 1000 Genomes Project 0.00140; 1000 Genomes Project 30x 0.00172.
gnomAD v4.1: 304 of 1,614,008 alleles (0.019%); highest among the groups gnomAD compares: African/African-American, 0.33%; no homozygotes.

Submissions (3):

Women's Health and Genetics/Laboratory Corporation of America, LabCorp
Classification: Benign. Last evaluated: 2026-05-11. Review status: criteria provided, single submitter. Criteria: LabCorp Variant Classification Summary - May 2015. Collection method: clinical testing. Allele origin: germline.

CeGaT Center for Human Genetics Tuebingen
Classification: Likely benign. Last evaluated: 2026-05-01. Review status: criteria provided, single submitter. Criteria: CeGaT Center For Human Genetics Tuebingen Variant Classification Criteria Version 2. Collection method: clinical testing. Allele origin: germline. Affected: yes. Observed: 1 variant allele.
Comment: RREB1: BP4, BP7, BS1

Labcorp Genetics (formerly Invitae), Labcorp
Classification: Benign. Last evaluated: 2018-07-29. Review status: criteria provided, single submitter. Criteria: Invitae Variant Classification Sherloc (09022015). Collection method: clinical testing. Allele origin: germline.

NM_001003699.4(RREB1):c.2862C>T (p.Ser954=)

Gene: RREB1 (ras responsive element binding protein 1; plus strand). Cytogenetic location: 6p24.3.
Variant type: single nucleotide variant.
Coding change: c.2862C>T on transcript NM_001003699.4 (MANE Select); coding-DNA position 2862, C replaced by T.
Protein change: p.Ser954=; no amino-acid change (serine 954 retained).
Molecular consequence: synonymous variant.
Genome position (GRCh38, 1-based): chr6:7,230,961, C>T. VCF-style: chr6-7230961-C-T. GRCh37 (hg19) VCF-style: chr6-7231194-C-T.
Other names: c.2862C>T, p.Ser954= (NM_001003698.4, NM_001003700.2, NM_001168344.2).
Identifiers: ClinVar variation 724192 (VCV000724192.6), dbSNP rs147699375, ClinGen allele CA3625965.